The following is an entry in ClinVar:

NM_005247.4(FGF3):c.377A>C (p.Tyr126Ser)

Gene: FGF3 (fibroblast growth factor 3; minus strand). Cytogenetic location: 11q13.3.
Variant type: single nucleotide variant.
Coding change: c.377A>C on transcript NM_005247.4 (MANE Select); coding-DNA position 377, A replaced by C.
Protein change: p.Tyr126Ser; replaces tyrosine 126 with serine.
Molecular consequence: missense variant.
Genome position (GRCh38, 1-based): chr11:69,810,648, T>G on the plus strand (A>C on the coding strand, the complement: FGF3 is on the minus strand). VCF-style: chr11-69810648-T-G. GRCh37 (hg19) VCF-style: chr11-69625416-T-G.
Other names: short protein forms Y126S.
Identifiers: ClinVar variation 1310247 (VCV001310247.2), dbSNP rs2119906459, ClinGen allele CA381663953.

ClinVar aggregate classification (germline): Uncertain significance (1 of 4 stars; one submission).

Submission:

GeneDx
Classification: Uncertain significance. Last evaluated: 2019-11-07. Review status: criteria provided, single submitter. Criteria: GeneDx Variant Classification Process June 2021. Collection method: clinical testing. Allele origin: germline. Affected: yes.
Comment: Not observed in large population cohorts (Lek et al., 2016); In silico analysis, which includes protein predictors and evolutionary conservation, supports a deleterious effect; Has not been previously published as pathogenic or benign to our knowledge